The following is an entry in ClinVar:

ClinVar aggregate classification (germline): Conflicting classifications of pathogenicity. Review status: criteria provided, conflicting classifications (1 of 4 stars). 7 submissions from 6 submitters: Uncertain significance (3); Likely benign (4). Last evaluated 2025-08-08.

Conditions:
Brain small vessel disease 1 with or without ocular anomalies (BSVD1). Also called: PORENCEPHALY, TYPE 1, AUTOSOMAL DOMINANT; BRAIN SMALL VESSEL DISEASE WITH HEMORRHAGE; Brain small vessel disease with or without ocular anomalies; GOULD SYNDROME 1. Identifiers: Orphanet 2940, Orphanet 36383, Orphanet 99810, MedGen C4755307, MONDO:0008289, OMIM 175780.
COL4A1-related disorder. Also called: COL4A1-related condition; COL4A1-related disorders. Identifiers: MedGen CN376119, MONDO:0800461.
Autosomal dominant familial hematuria-retinal arteriolar tortuosity-contractures syndrome. Also called: Angiopathy, hereditary, with nephropathy, aneurysms, and muscle cramps; Hereditary Angiopathy with Nephropathy, Aneurysms, and Muscle Cramps (HANAC) Syndrome. Identifiers: Orphanet 73229, MedGen C2673195, MONDO:0012726, OMIM 611773.
Hemorrhage, intracerebral, susceptibility to (ICH). Also called: Stroke, hemorrhagic, susceptibility to. Identifiers: MedGen C3281105, MONDO:0100533, OMIM 614519.
Microangiopathy and leukoencephalopathy, pontine, autosomal dominant. Also called: DEMENTIA, HEREDITARY MULTI-INFARCT, SWEDISH TYPE; Pontine autosomal dominant microangiopathy with leukoencephalopathy. Identifiers: Orphanet 477749, MedGen C5231411, MONDO:0032814, OMIM 618564.
Retinal arterial tortuosity. Also called: RETINAL HEMORRHAGE WITH VASCULAR TORTUOSITY; Retinal arteries, tortuosity of. Identifiers: Orphanet 75326, MedGen C0423401, MONDO:0008373, OMIM 180000, HP:0000631.

Allele frequency attached by ClinVar (database versions not stated): ExAC 0.00001; gnomAD 0.00002 and 0.00003; gnomAD exomes 0.00002; TOPMed 0.00003; 1000 Genomes Project 0.00020; 1000 Genomes Project 30x 0.00031.
gnomAD v4.1: 66 of 1,614,020 alleles (0.0041%); highest among the groups gnomAD compares: Non-Finnish European, 0.005%; no homozygotes.

Submissions (7):

Labcorp Genetics (formerly Invitae), Labcorp
Classification: Likely benign. Last evaluated: 2025-08-08. Review status: criteria provided, single submitter. Criteria: Invitae Variant Classification Sherloc (09022015). Collection method: clinical testing. Allele origin: germline.

PreventionGenetics, part of Exact Sciences
Classification: Likely benign for COL4A1-related condition. Last evaluated: 2025-05-10. Review status: criteria provided, single submitter. Criteria: ACMG Guidelines, 2015. Collection method: clinical testing. Allele origin: germline.
Comment: This variant is classified as likely benign based on ACMG/AMP sequence variant interpretation guidelines (Richards et al. 2015 PMID: 25741868, with internal and published modifications).

CeGaT Center for Human Genetics Tuebingen
Classification: Likely benign. Last evaluated: 2024-10-01. Review status: criteria provided, single submitter. Criteria: CeGaT Center For Human Genetics Tuebingen Variant Classification Criteria Version 2. Collection method: clinical testing. Allele origin: germline. Affected: yes. Observed: 2 variant alleles.
Comment: COL4A1: BP4, BP7

Fulgent Genetics
Classification: Likely benign for Brain small vessel disease 1 with or without ocular anomalies; Retinal arterial tortuosity; Autosomal dominant familial hematuria-retinal arteriolar tortuosity-contractures syndrome; Hemorrhage, intracerebral, susceptibility to; Microangiopathy and leukoencephalopathy, pontine, autosomal dominant. Last evaluated: 2024-05-30. Review status: criteria provided, single submitter. Criteria: ACMG Guidelines, 2015. Collection method: clinical testing. Allele origin: germline.

Athena Diagnostics
Classification: Uncertain significance. Last evaluated: 2018-04-18. Review status: criteria provided, single submitter. Criteria: Athena Diagnostics Criteria. Collection method: clinical testing. Allele origin: germline.

Illumina Laboratory Services, Illumina
Classification: Uncertain significance for Brain small vessel disease 1 with or without ocular anomalies. Last evaluated: 2018-01-13. Review status: criteria provided, single submitter. Criteria: ICSL Variant Classification Criteria 13 December 2019. Collection method: clinical testing. Allele origin: germline.

Illumina Laboratory Services, Illumina
Classification: Uncertain significance for Autosomal dominant familial hematuria-retinal arteriolar tortuosity-contractures syndrome. Last evaluated: 2018-01-13. Review status: criteria provided, single submitter. Criteria: ICSL Variant Classification Criteria 13 December 2019. Collection method: clinical testing. Allele origin: germline.

NM_001845.6(COL4A1):c.1056G>A (p.Pro352=)

Gene: COL4A1 (collagen type IV alpha 1 chain; minus strand). Cytogenetic location: 13q34.
Variant type: single nucleotide variant.
Coding change: c.1056G>A on transcript NM_001845.6 (MANE Select); coding-DNA position 1056, G replaced by A.
Protein change: p.Pro352=; no amino-acid change (proline 352 retained).
Molecular consequence: synonymous variant.
Genome position (GRCh38, 1-based): chr13:110,201,466, C>T on the plus strand (G>A on the coding strand, the complement: COL4A1 is on the minus strand). VCF-style: chr13-110201466-C-T. GRCh37 (hg19) VCF-style: chr13-110853813-C-T.
Other names: c.1056G>A, p.Pro352= (NM_001303110.2); c.1056G>A (NM_001845.5).
Identifiers: ClinVar variation 585510 (VCV000585510.45), dbSNP rs531373470, ClinGen allele CA7048106.